The following is an entry in ClinVar:

NM_000702.4(ATP1A2):c.2943-3C>G

Gene: ATP1A2 (ATPase Na+/K+ transporting subunit alpha 2; plus strand). Cytogenetic location: 1q23.2.
Variant type: single nucleotide variant.
Coding change: c.2943-3C>G on transcript NM_000702.4 (MANE Select); 3 bases into the intron before coding-DNA position 2943, C replaced by G.
Molecular consequence: intron variant.
Genome position (GRCh38, 1-based): chr1:160,139,890, C>G. VCF-style: chr1-160139890-C-G. GRCh37 (hg19) VCF-style: chr1-160109680-C-G.
Identifiers: ClinVar variation 2157943 (VCV002157943.4), dbSNP rs2524899041, ClinGen allele CA2580061294.

ClinVar aggregate classification (germline): Uncertain significance (1 of 4 stars; one submission).

Conditions:
Familial hemiplegic migraine. Identifiers: MedGen C0338484, MONDO:0000700.

Submission:

Labcorp Genetics (formerly Invitae), Labcorp
Classification: Uncertain significance for Familial hemiplegic migraine. Last evaluated: 2024-10-03. Review status: criteria provided, single submitter. Criteria: Invitae Variant Classification Sherloc (09022015). Collection method: clinical testing. Allele origin: germline.
Comment: This sequence change falls in intron 21 of the ATP1A2 gene. It does not directly change the encoded amino acid sequence of the ATP1A2 protein. It affects a nucleotide within the consensus splice site. This variant is not present in population databases (gnomAD no frequency). This variant has not been reported in the literature in individuals affected with ATP1A2-related conditions. ClinVar contains an entry for this variant (Variation ID: 2157943). Variants that disrupt the consensus splice site are a relatively common cause of aberrant splicing (PMID: 17576681, 9536098). Algorithms developed to predict the effect of sequence changes on RNA splicing suggest that this variant may disrupt the consensus splice site. In summary, the available evidence is currently insufficient to determine the role of this variant in disease. Therefore, it has been classified as a Variant of Uncertain Significance.

Literature cited by the submitters: PubMed 17576681; PubMed 9536098.